The following continues an entry in ClinVar:

NM_005343.4(HRAS):c.38G>T (p.Gly13Val)

ClinVar aggregate classification (germline): Pathogenic/Likely pathogenic. Pathogenic (8); Likely pathogenic (1). ClinVar aggregate classification (somatic clinical impact): Tier I - Strong. ClinVar aggregate classification (oncogenicity): Oncogenic.

Submissions 8 to 14 of 14:

Women's Health and Genetics/Laboratory Corporation of America, LabCorp
Classification: Pathogenic for Costello syndrome. Last evaluated: 2023-03-27. Review status: criteria provided, single submitter. Criteria: LabCorp Variant Classification Summary - May 2015. Collection method: clinical testing. Allele origin: germline.
Comment: Variant summary: HRAS c.38G>T (p.Gly13Val) results in a non-conservative amino acid change located in the small GTP-binding protein domain (IPR005225) of the encoded protein sequence. Five of five in-silico tools predict a damaging effect of the variant on protein function. The variant was absent in 250330 control chromosomes (gnomAD). c.38G>T has been reported in the literature in settings of WES in at least two fetuses affected with multiple congenital abnormalities, including one case where it was confirmed to be de novo, although it is not clear whether these individuals would have met the clinical criteria for Costello or Noonan syndromes, these findings suggest the variant may be associated with disease (e.g. Lefebvre_2021, Gabriel_2022). The variant of interest has also been reported in numerous publications as a somatic mutation found in various types of cancers. At least one publication reports experimental evidence evaluating an impact on protein function and found that the variant is associated with an increased rate of guanine nucleotide exchange compared to the WT protein (Wey_2013). Additionally, Glycine 13 is one of the two most mutated amino acids in Costello Syndrome, and several other variants located at codon 13 have been associated with Costello Syndrome (G13C, G13D, G13S; Wey_2013). Two submitters have provided clinical-significance assessments for this variant to ClinVar after 2014 and both classified the variant as pathogenic. Based on the evidence outlined above, the variant was classified as pathogenic.

Institute for Genomic Medicine (IGM) Clinical Laboratory, Nationwide Children's Hospital
Classification: Tier I - Strong for Rhabdomyosarcoma. Assertion type: diagnostic. Clinical significance: supports diagnosis. Last evaluated: 2023-02-24. Review status: criteria provided, single submitter. Criteria: AMP/ASCO/CAP Guidelines, 2017. Collection method: clinical testing. Allele origin: somatic. Affected: yes.
Comment: Variant has Tier I (strong) clinical significance as a diagnostic inclusion criterion in rhabdomyosarcoma, based on the following evidence: 1) Documented in one or more cancer databases (e.g., St. Jude Pecan, COSMIC, CIViC, OncoKB). 2) Appears in one or more well-established professional guidelines (e.g., World Health Organization [WHO]; National Comprehensive Cancer Network [NCCN]) as providing diagnostic, prognostic, or therapeutic information. 3) Information in the literature supports potential biologic effect of variant (PMID: 25705018). 4) Diagnostic for a specific tumor type/classification based on well-powered studies with expert-level consensus (Evidence Level B).

Equipe Genetique des Anomalies du Developpement, Université de Bourgogne
Classification: Pathogenic for Costello syndrome. Last evaluated: 2021-10-28. Review status: criteria provided, single submitter. Criteria: ACMG Guidelines, 2015. Collection method: clinical testing. Allele origin: de novo. Affected: yes.

Juno Genomics, Hangzhou Juno Genomics, Inc
Classification: Pathogenic for Costello syndrome. Review status: criteria provided, single submitter. Criteria: ACMG Guidelines, 2015. Collection method: clinical testing. Allele origin: germline. Affected: yes.
Comment: Absent from controls (or at extremely low frequency if recessive) in Genome Aggregation Database.;The prevalence of the variant in affected individuals is significantly increased compared to the prevalence in controls.;De novo (both maternity and paternity confirmed) in a patient with the disease and no family history.;Novel missense change at an amino acid residue where a different missense change determined to be pathogenic has been seen before.;Well-established in vitro or in vivo functional studies supportive of a damaging effect on the gene or gene product.

Solve-RD Consortium
Classification: Likely pathogenic for Linear nevus sebaceous syndrome. Last evaluated: 2022-06-01. Review status: no assertion criteria provided. Collection method: provider interpretation. Allele origin: inherited. Affected: yes. Not counted in ClinVar's aggregate classification.
Comment: Variant confirmed as disease-causing by referring clinical team

Variant identified during reanalysis of unsolved cases by the Solve-RD project. The Solve-RD project has received funding from the European Union’s Horizon 2020 research and innovation programme under grant agreement No 779257.

Institute of Medical Sciences, Banaras Hindu University
Classification: Pathogenic for Lip and oral cavity carcinoma. Last evaluated: 2019-04-30. Review status: no assertion criteria provided. Collection method: research. Allele origin: somatic. Affected: yes. Not counted in ClinVar's aggregate classification.

Yale Center for Mendelian Genomics, Yale University
Classification: Pathogenic for KA-like vemurafenib-induced squamous lesions. Last evaluated: 2016-06-07. Review status: no assertion criteria provided. Collection method: literature only. Allele origin: somatic. Affected: yes. Observed: 1 heterozygote. Study: Yale Center for Mendelian Genomics. Not counted in ClinVar's aggregate classification.

Literature cited by the submitters: PubMed 24224811 (cited by Center for Genomic Medicine, Rigshospitalet, Copenhagen University Hospital and Women's Health and Genetics/Laboratory Corporation of America, LabCorp); PubMed 34958143 (cited by Variantyx, Inc. and Women's Health and Genetics/Laboratory Corporation of America, LabCorp); PubMed 32732226 (cited by Variantyx, Inc. and Women's Health and Genetics/Laboratory Corporation of America, LabCorp); PubMed 25705018 (cited by Institute for Genomic Medicine (IGM) Clinical Laboratory, Nationwide Children's Hospital); PubMed 39825153 (cited by Solve-RD Consortium); PubMed 31775759 (cited by Institute of Medical Sciences, Banaras Hindu University); PubMed 27283355 (cited by Yale Center for Mendelian Genomics, Yale University).